The following is an entry in ClinVar:

ClinVar aggregate classification (germline): Likely pathogenic (1 of 4 stars; one submission).

Conditions:
Pyridoxine-dependent epilepsy (EPEO4). Also called: Pyridoxine-Dependent Seizures; PYRIDOXINE DEPENDENCY WITH SEIZURES; EPILEPSY, EARLY-ONSET, 4, VITAMIN B6-DEPENDENT; Pyridoxine-Dependent Epilepsy - ALDH7A1. Identifiers: Orphanet 3006, MedGen C1849508, MONDO:0009945, OMIM 266100. Disease mechanism: loss of function.

Submission:

Labcorp Genetics (formerly Invitae), Labcorp
Classification: Likely pathogenic for Pyridoxine-dependent epilepsy. Last evaluated: 2023-08-31. Review status: criteria provided, single submitter. Criteria: Invitae Variant Classification Sherloc (09022015). Collection method: clinical testing. Allele origin: germline.
Comment: This variant is not present in population databases (gnomAD no frequency). This variant has not been reported in the literature in individuals affected with ALDH7A1-related conditions. This sequence change replaces glycine, which is neutral and non-polar, with alanine, which is neutral and non-polar, at codon 143 of the ALDH7A1 protein (p.Gly143Ala). Advanced modeling of protein sequence and biophysical properties (such as structural, functional, and spatial information, amino acid conservation, physicochemical variation, residue mobility, and thermodynamic stability) performed at Invitae indicates that this missense variant is expected to disrupt ALDH7A1 protein function. This variant disrupts the p.Gly143 amino acid residue in ALDH7A1. Other variant(s) that disrupt this residue have been determined to be pathogenic (PMID: 23022070). This suggests that this residue is clinically significant, and that variants that disrupt this residue are likely to be disease-causing. In summary, the currently available evidence indicates that the variant is pathogenic, but additional data are needed to prove that conclusively. Therefore, this variant has been classified as Likely Pathogenic.

Literature cited by the submitters: PubMed 23022070.

NM_001182.5(ALDH7A1):c.428G>C (p.Gly143Ala)

Gene: ALDH7A1 (aldehyde dehydrogenase 7 family member A1; minus strand). Cytogenetic location: 5q23.2.
Variant type: single nucleotide variant.
Coding change: c.428G>C on transcript NM_001182.5 (MANE Select); coding-DNA position 428, G replaced by C.
Protein change: p.Gly143Ala; replaces glycine 143 with alanine.
Molecular consequence: missense variant.
Genome position (GRCh38, 1-based): chr5:126,582,940, C>G on the plus strand (G>C on the coding strand, the complement: ALDH7A1 is on the minus strand). VCF-style: chr5-126582940-C-G. GRCh37 (hg19) VCF-style: chr5-125918632-C-G.
Other names: c.344G>C, p.Gly115Ala (NM_001201377.2); c.428G>C, p.Gly143Ala (NM_001202404.2); short protein forms G143A, G115A.
Identifiers: ClinVar variation 2756963 (VCV002756963.3), dbSNP rs2480338157, ClinGen allele CA360731884.